The following is an entry in ClinVar:

NM_004736.4(XPR1):c.1266A>C (p.Lys422Asn)

Gene: XPR1 (xenotropic and polytropic retrovirus receptor 1; plus strand). Cytogenetic location: 1q25.3.
Variant type: single nucleotide variant.
Coding change: c.1266A>C on transcript NM_004736.4 (MANE Select); coding-DNA position 1266, A replaced by C.
Protein change: p.Lys422Asn; replaces lysine 422 with asparagine.
Molecular consequence: missense variant.
Genome position (GRCh38, 1-based): chr1:180,835,005, A>C. VCF-style: chr1-180835005-A-C. GRCh37 (hg19) VCF-style: chr1-180804141-A-C.
Other names: c.1266A>C, p.Lys422Asn (NM_001135669.2, NM_001328662.2); short protein forms K422N.
Identifiers: ClinVar variation 1964213 (VCV001964213.5), dbSNP rs764366067, ClinGen allele CA1272728.

ClinVar aggregate classification (germline): Uncertain significance (1 of 4 stars; one submission).

Allele frequency attached by ClinVar (database versions not stated): TOPMed 0.00001; ExAC 0.00002; gnomAD exomes below 0.00001.
gnomAD v4.1: 2 of 1,614,118 alleles (0.00012%); highest among the groups gnomAD compares: East Asian, 0.0045%; no homozygotes.

Submission:

Labcorp Genetics (formerly Invitae), Labcorp
Classification: Uncertain significance. Last evaluated: 2022-07-21. Review status: criteria provided, single submitter. Criteria: Invitae Variant Classification Sherloc (09022015). Collection method: clinical testing. Allele origin: germline.
Comment: This variant has not been reported in the literature in individuals affected with XPR1-related conditions. In summary, the available evidence is currently insufficient to determine the role of this variant in disease. Therefore, it has been classified as a Variant of Uncertain Significance. Algorithms developed to predict the effect of missense changes on protein structure and function (SIFT, PolyPhen-2, Align-GVGD) all suggest that this variant is likely to be tolerated. This variant is present in population databases (rs764366067, gnomAD 0.03%). This sequence change replaces lysine, which is basic and polar, with asparagine, which is neutral and polar, at codon 422 of the XPR1 protein (p.Lys422Asn).